The following is an entry in ClinVar:

ClinVar aggregate classification (germline): Uncertain significance (1 of 4 stars; one submission).

Allele frequency attached by ClinVar (database versions not stated): gnomAD exomes below 0.00001.

Submission:

Labcorp Genetics (formerly Invitae), Labcorp
Classification: Uncertain significance. Last evaluated: 2022-11-01. Review status: criteria provided, single submitter. Criteria: Invitae Variant Classification Sherloc (09022015). Collection method: clinical testing. Allele origin: germline.
Comment: This sequence change replaces methionine, which is neutral and non-polar, with threonine, which is neutral and polar, at codon 1731 of the USH2A protein (p.Met1731Thr). This variant is not present in population databases (gnomAD no frequency). In summary, the available evidence is currently insufficient to determine the role of this variant in disease. Therefore, it has been classified as a Variant of Uncertain Significance. Advanced modeling of protein sequence and biophysical properties (such as structural, functional, and spatial information, amino acid conservation, physicochemical variation, residue mobility, and thermodynamic stability) performed at Invitae indicates that this missense variant is not expected to disrupt USH2A protein function. ClinVar contains an entry for this variant (Variation ID: 1014511). This variant has not been reported in the literature in individuals affected with USH2A-related conditions.

NM_206933.4(USH2A):c.5192T>C (p.Met1731Thr)

Genes: USH2A (usherin; minus strand), USH2A-AS2 (USH2A antisense RNA 2; plus strand). Cytogenetic location: 1q41.
Variant type: single nucleotide variant.
Coding change: c.5192T>C on transcript NM_206933.4 (MANE Select); coding-DNA position 5192, T replaced by C.
Protein change: p.Met1731Thr; replaces methionine 1731 with threonine.
Molecular consequence: missense variant.
Genome position (GRCh38, 1-based): chr1:216,083,562, A>G on the plus strand (T>C on the coding strand, the complement: USH2A is on the minus strand). VCF-style: chr1-216083562-A-G. GRCh37 (hg19) VCF-style: chr1-216256904-A-G.
Other names: short protein forms M1731T.
Identifiers: ClinVar variation 1014511 (VCV001014511.8), dbSNP rs2032020244, ClinGen allele CA344858215.